The following is an entry in ClinVar:

NM_001197104.2(KMT2A):c.2798G>A (p.Arg933Gln)

Gene: KMT2A (lysine methyltransferase 2A; plus strand). Cytogenetic location: 11q23.3.
Variant type: single nucleotide variant.
Coding change: c.2798G>A on transcript NM_001197104.2 (MANE Select); coding-DNA position 2798, G replaced by A.
Protein change: p.Arg933Gln; replaces arginine 933 with glutamine.
Molecular consequence: missense variant.
Genome position (GRCh38, 1-based): chr11:118,473,957, G>A. VCF-style: chr11-118473957-G-A. GRCh37 (hg19) VCF-style: chr11-118344672-G-A.
Other names: c.2897G>A, p.Arg966Gln (NM_001412597.1); c.2798G>A, p.Arg933Gln (NM_005933.4); short protein forms R933Q, R966Q.
Identifiers: ClinVar variation 2178409 (VCV002178409.6), dbSNP rs782067532, ClinGen allele CA6303562.

ClinVar aggregate classification (germline): Conflicting classifications of pathogenicity. Review status: criteria provided, conflicting classifications (1 of 4 stars). 3 submissions from 3 submitters: Uncertain significance (1); Likely benign (2). Last evaluated 2026-08-20.

Conditions:
KMT2A-related disorder. Also called: KMT2A-related condition.
Inborn genetic diseases. Identifiers: MedGen C0950123, MeSH D030342.

Allele frequency attached by ClinVar (database versions not stated): ExAC 0.00001; gnomAD exomes 0.00001; TOPMed 0.00002; gnomAD 0.00003.
gnomAD v4.1: 17 of 1,613,874 alleles (0.0011%); highest among the groups gnomAD compares: African/African-American, 0.0013%; no homozygotes.

Submissions (3):

PreventionGenetics, part of Exact Sciences
Classification: Likely benign for KMT2A-related condition. Last evaluated: 2026-08-20. Review status: criteria provided, single submitter. Criteria: ACMG Guidelines, 2015. Collection method: clinical testing. Allele origin: germline.
Comment: This variant is classified as likely benign based on ACMG/AMP sequence variant interpretation guidelines (Richards et al. 2015 PMID: 25741868, with internal and published modifications).

Ambry Genetics
Classification: Likely benign for Inborn genetic diseases. Last evaluated: 2025-05-14. Review status: criteria provided, single submitter. Criteria: Ambry Variant Classification Scheme 2023. Collection method: clinical testing. Allele origin: germline.

Labcorp Genetics (formerly Invitae), Labcorp
Classification: Uncertain significance. Last evaluated: 2025-02-18. Review status: criteria provided, single submitter. Criteria: Invitae Variant Classification Sherloc (09022015). Collection method: clinical testing. Allele origin: germline.
Comment: This sequence change replaces arginine, which is basic and polar, with glutamine, which is neutral and polar, at codon 933 of the KMT2A protein (p.Arg933Gln). This variant is present in population databases (rs782067532, gnomAD 0.003%). This variant has not been reported in the literature in individuals affected with KMT2A-related conditions. ClinVar contains an entry for this variant (Variation ID: 2178409). Invitae Evidence Modeling of protein sequence and biophysical properties (such as structural, functional, and spatial information, amino acid conservation, physicochemical variation, residue mobility, and thermodynamic stability) has been performed for this missense variant. However, the output from this modeling did not meet the statistical confidence thresholds required to predict the impact of this variant on KMT2A protein function. In summary, the available evidence is currently insufficient to determine the role of this variant in disease. Therefore, it has been classified as a Variant of Uncertain Significance.